The following is an entry in ClinVar:

NM_001370259.2(MEN1):c.363C>G (p.Val121=)

Gene: MEN1 (menin 1; minus strand). Cytogenetic location: 11q13.1.
Variant type: single nucleotide variant.
Coding change: c.363C>G on transcript NM_001370259.2 (MANE Select); coding-DNA position 363, C replaced by G.
Protein change: p.Val121=; no amino-acid change (valine 121 retained).
Molecular consequence: synonymous variant. On other transcripts: non-coding transcript variant (4).
Genome position (GRCh38, 1-based): chr11:64,809,747, G>C on the plus strand (C>G on the coding strand, the complement: MEN1 is on the minus strand). VCF-style: chr11-64809747-G-C. GRCh37 (hg19) VCF-style: chr11-64577219-G-C.
Other names: c.363C>G, p.Val121= (NM_000244.4, NM_001370251.2, NM_001370260.2 and 20 more transcripts).
Identifiers: ClinVar variation 3229095 (VCV003229095.2), dbSNP rs2136181809, ClinGen allele CA475163359.
Genomic context (GRCh38, chr11:64,809,747, plus strand): 5'-CTGGATGTGGGCCCGATCCTTGAAGTAGGAGCGGCTGAGGCTGTTCCATATGACATCGGA[G>C]ACCTTCTTCACCAGCTCACGGCTGGAGACACCCCCTTCTCGAGGATAGAGGGACAGGTCG-3'
Protein context (NP_001357188.2, residues 111-131): GVSSRELVKK[Val121=]SDVIWNSLSR

ClinVar aggregate classification (germline): Benign/Likely benign. Review status: criteria provided, multiple submitters, no conflicts (2 of 4 stars). 2 submissions from 2 submitters: Benign (1); Likely benign (1). Last evaluated 2024-10-31.

Conditions:
Multiple endocrine neoplasia, type 1 (MEN1). Also called: WERMER SYNDROME; Endocrine adenomatosis multiple; MEN 1; MEN I; MEA I. Identifiers: Orphanet 652, MedGen C0025267, MeSH D018761, MONDO:0007540, OMIM 131100.
Hereditary cancer-predisposing syndrome. Also called: Hereditary Cancer Syndrome; Tumor predisposition; Neoplastic Syndromes, Hereditary; Hereditary neoplastic syndrome. Identifiers: Orphanet 140162, MedGen C0027672, MeSH D009386, MONDO:0015356.

Submissions (2):

Myriad Genetics, Inc.
Classification: Benign for Multiple endocrine neoplasia, type 1. Last evaluated: 2024-10-31. Review status: criteria provided, single submitter. Criteria: Myriad Autosomal Dominant, Autosomal Recessive and X-Linked Classification Criteria (2023). Collection method: clinical testing. Allele origin: unknown.
Comment: This variant is considered benign. This variant is a silent/synonymous amino acid change and it is not expected to impact splicing.

Ambry Genetics
Classification: Likely benign for Hereditary cancer-predisposing syndrome. Last evaluated: 2024-03-10. Review status: criteria provided, single submitter. Criteria: Ambry Variant Classification Scheme 2023. Collection method: clinical testing. Allele origin: germline.